The following is an entry in ClinVar:

NM_020401.4(NUP107):c.1696G>A (p.Glu566Lys)

Gene: NUP107 (nucleoporin 107; plus strand). Cytogenetic location: 12q15.
Variant type: single nucleotide variant.
Coding change: c.1696G>A on transcript NM_020401.4 (MANE Select); coding-DNA position 1696, G replaced by A.
Protein change: p.Glu566Lys; replaces glutamic acid 566 with lysine.
Molecular consequence: missense variant.
Genome position (GRCh38, 1-based): chr12:68,727,351, G>A. VCF-style: chr12-68727351-G-A. GRCh37 (hg19) VCF-style: chr12-69121131-G-A.
Other names: c.1609G>A, p.Glu537Lys (NM_001330192.2); short protein forms E537K, E566K.
Identifiers: ClinVar variation 1917704 (VCV001917704.6), dbSNP rs766721122, ClinGen allele CA6677908.
Genomic context (GRCh38, chr12:68,727,351, plus strand): 5'-AAATTTTGTTACTTTCATATAAGCAGTGTATTTATAATTATGTCTTTTTTTCCTATGAAG[G>A]AGGAAGTTTCTATTGAAGTTTTAAAGACATACATACAGGTAAACTTTGAGAACCTACAAC-3'
Protein context (NP_065134.1, residues 556-576): FFRTLGLQTK[Glu566Lys]EVSIEVLKTY

ClinVar aggregate classification (germline): Uncertain significance (1 of 4 stars; one submission).

Allele frequency attached by ClinVar (database versions not stated): TOPMed below 0.00001; ExAC 0.00001.

Submissions (2):

Labcorp Genetics (formerly Invitae), Labcorp
Classification: Uncertain significance. Last evaluated: 2024-06-03. Review status: criteria provided, single submitter. Criteria: Invitae Variant Classification Sherloc (09022015). Collection method: clinical testing. Allele origin: germline.
Comment: This sequence change replaces glutamic acid, which is acidic and polar, with lysine, which is basic and polar, at codon 566 of the NUP107 protein (p.Glu566Lys). This variant is present in population databases (rs766721122, gnomAD 0.006%). This variant has not been reported in the literature in individuals affected with NUP107-related conditions. ClinVar contains an entry for this variant (Variation ID: 1917704). An algorithm developed to predict the effect of missense changes on protein structure and function (PolyPhen-2) suggests that this variant is likely to be disruptive. Algorithms developed to predict the effect of sequence changes on RNA splicing suggest that this variant may disrupt the consensus splice site. In summary, the available evidence is currently insufficient to determine the role of this variant in disease. Therefore, it has been classified as a Variant of Uncertain Significance.

Dr. Peter K. Rogan Lab, Western University
No classification provided (evidence only). Condition: Sarcoma. Review status: no classification provided. Collection method: in vitro. Allele origin: not applicable. Functional consequence: cryptic splice site, skipped exon, retained intron. Not counted in ClinVar's aggregate classification.